The following is an entry in ClinVar:

ClinVar aggregate classification (germline): Uncertain significance (1 of 4 stars; one submission).

Conditions:
CHARGE syndrome (CHARGE). Also called: Hittner Hirsch Kreh syndrome; CHARGE ASSOCIATION--COLOBOMA, HEART ANOMALY, CHOANAL ATRESIA, RETARDATION, GENITAL AND EAR ANOMALIES; Coloboma, heart anomaly, choanal atresia, retardation, genital and ear anomalies; CHARGE association; Hall-Hittner syndrome. Identifiers: Orphanet 138, MedGen C0265354, MONDO:0008965.

Submission:

Labcorp Genetics (formerly Invitae), Labcorp
Classification: Uncertain significance for CHARGE syndrome. Last evaluated: 2022-09-02. Review status: criteria provided, single submitter. Criteria: Invitae Variant Classification Sherloc (09022015). Collection method: clinical testing. Allele origin: germline.
Comment: Advanced modeling of protein sequence and biophysical properties (such as structural, functional, and spatial information, amino acid conservation, physicochemical variation, residue mobility, and thermodynamic stability) performed at Invitae indicates that this missense variant is expected to disrupt CHD7 protein function. This variant has not been reported in the literature in individuals affected with CHD7-related conditions. This variant is not present in population databases (gnomAD no frequency). This sequence change replaces tryptophan, which is neutral and slightly polar, with cysteine, which is neutral and slightly polar, at codon 1712 of the CHD7 protein (p.Trp1712Cys). In summary, the available evidence is currently insufficient to determine the role of this variant in disease. Therefore, it has been classified as a Variant of Uncertain Significance.

NM_017780.4(CHD7):c.5136G>C (p.Trp1712Cys)

Gene: CHD7 (chromodomain helicase DNA binding protein 7; plus strand). Cytogenetic location: 8q12.2.
Variant type: single nucleotide variant.
Coding change: c.5136G>C on transcript NM_017780.4 (MANE Select); coding-DNA position 5136, G replaced by C.
Protein change: p.Trp1712Cys; replaces tryptophan 1712 with cysteine.
Molecular consequence: missense variant. On other transcripts: intron variant (1).
Genome position (GRCh38, 1-based): chr8:60,845,335, G>C. VCF-style: chr8-60845335-G-C. GRCh37 (hg19) VCF-style: chr8-61757894-G-C.
Other names: c.1717-16894G>C (NM_001316690.1); short protein forms W1712C.
Identifiers: ClinVar variation 2129733 (VCV002129733.4), dbSNP rs2487975384, ClinGen allele CA371320511.